The following is an entry in ClinVar:

ClinVar aggregate classification (germline): Conflicting classifications of pathogenicity. Review status: criteria provided, conflicting classifications (1 of 4 stars). 3 submissions from 3 submitters: Uncertain significance (1); Likely benign (2). Last evaluated 2026-03-31.

Conditions:
Orthostatic hypotension 1 (ORTHYP1). Also called: Orthostatic hypotension 1, due to DBH deficiency; NORADRENALINE DEFICIENCY; NOREPINEPHRINE DEFICIENCY; Dopamine beta-hydroxylase deficiency. Identifiers: Orphanet 230, MedGen C4746777, MONDO:0009123, OMIM 223360.
DBH-related disorder. Also called: DBH-related condition.

Allele frequency attached by ClinVar (database versions not stated): ESP Exome Variant Server 0.00023; TOPMed 0.00051; gnomAD 0.00053 and 0.00057.
gnomAD v4.1: 462 of 1,613,378 alleles (0.029%); highest among the groups gnomAD compares: Admixed American, 0.12%; no homozygotes.

Submissions (3):

PreventionGenetics, part of Exact Sciences
Classification: Likely benign for DBH-related condition. Last evaluated: 2026-03-31. Review status: criteria provided, single submitter. Criteria: ACMG Guidelines, 2015. Collection method: clinical testing. Allele origin: germline.
Comment: This variant is classified as likely benign based on ACMG/AMP sequence variant interpretation guidelines (Richards et al. 2015 PMID: 25741868, with internal and published modifications).

Labcorp Genetics (formerly Invitae), Labcorp
Classification: Likely benign for Orthostatic hypotension 1. Last evaluated: 2025-11-12. Review status: criteria provided, single submitter. Criteria: Invitae Variant Classification Sherloc (09022015). Collection method: clinical testing. Allele origin: germline.

Illumina Laboratory Services, Illumina
Classification: Uncertain significance for Orthostatic hypotension 1. Last evaluated: 2018-01-13. Review status: criteria provided, single submitter. Criteria: ICSL Variant Classification Criteria 13 December 2019. Collection method: clinical testing. Allele origin: germline.

NM_000787.4(DBH):c.165G>A (p.Pro55=)

Gene: DBH (dopamine beta-hydroxylase; plus strand). Cytogenetic location: 9q34.2.
Variant type: single nucleotide variant.
Coding change: c.165G>A on transcript NM_000787.4 (MANE Select); coding-DNA position 165, G replaced by A.
Protein change: p.Pro55=; no amino-acid change (proline 55 retained).
Molecular consequence: synonymous variant.
Genome position (GRCh38, 1-based): chr9:133,636,536, G>A. VCF-style: chr9-133636536-G-A. GRCh37 (hg19) VCF-style: chr9-136501658-G-A.
Identifiers: ClinVar variation 718866 (VCV000718866.14), dbSNP rs139591190, ClinGen allele CA5312962.